The following is an entry in ClinVar:

NM_020884.7(MYH7B):c.130dup (p.Tyr44fs)

Gene: MYH7B (myosin heavy chain 7B; plus strand). Cytogenetic location: 20q11.22.
Variant type: Duplication.
Coding change: c.130dup on transcript NM_020884.7 (MANE Select); coding-DNA position 130, one base duplicated (T; older notation c.130dupT).
Protein change: p.Tyr44fs; shifts the reading frame from tyrosine 44.
Molecular consequence: frameshift variant.
Genome position (GRCh38, 1-based): chr20:34,979,428, T duplicated. VCF-style (leftmost placement, unchanged base first): chr20-34979427-C-CT. GRCh37 (hg19) VCF-style: chr20-33567230-C-CT.
Other names: short protein forms Y44fs.
Identifiers: ClinVar variation 2186470 (VCV002186470.4), dbSNP rs1184018681, ClinGen allele CA635720955.

ClinVar aggregate classification (germline): Uncertain significance (1 of 4 stars; one submission).

Allele frequency attached by ClinVar (database versions not stated): gnomAD 0.00003; TOPMed 0.00003.

Submission:

Labcorp Genetics (formerly Invitae), Labcorp
Classification: Uncertain significance. Last evaluated: 2022-03-09. Review status: criteria provided, single submitter. Criteria: Invitae Variant Classification Sherloc (09022015). Collection method: clinical testing. Allele origin: germline.
Comment: In summary, the available evidence is currently insufficient to determine the role of this variant in disease. Therefore, it has been classified as a Variant of Uncertain Significance. This variant has not been reported in the literature in individuals affected with MYH7B-related conditions. This variant is present in population databases (no rsID available, gnomAD 0.0009%). This sequence change creates a premature translational stop signal (p.Tyr86Leufs*29) in the MYH7B gene. It is expected to result in an absent or disrupted protein product. However, the current clinical and genetic evidence is not sufficient to establish whether loss-of-function variants in MYH7B cause disease.